The following is an entry in ClinVar:

ClinVar aggregate classification (germline): Likely benign (1 of 4 stars; one submission).

gnomAD v4.1: 9 of 1,567,426 alleles (0.00057%); highest among the groups gnomAD compares: Admixed American, 0.0019%; no homozygotes.

Submission:

CeGaT Center for Human Genetics Tuebingen
Classification: Likely benign. Last evaluated: 2024-12-01. Review status: criteria provided, single submitter. Criteria: CeGaT Center For Human Genetics Tuebingen Variant Classification Criteria Version 2. Collection method: clinical testing. Allele origin: germline. Affected: yes. Observed: 1 variant allele.
Comment: ZFYVE19: BP4, BP7

NM_001077268.2(ZFYVE19):c.798C>T (p.Ile266=)

Gene: ZFYVE19 (zinc finger FYVE-type containing 19; plus strand). Cytogenetic location: 15q15.1.
Variant type: single nucleotide variant.
Coding change: c.798C>T on transcript NM_001077268.2 (MANE Select); coding-DNA position 798, C replaced by T.
Protein change: p.Ile266=; no amino-acid change (isoleucine 266 retained).
Molecular consequence: synonymous variant.
Genome position (GRCh38, 1-based): chr15:40,810,729, C>T. VCF-style: chr15-40810729-C-T. GRCh37 (hg19) VCF-style: chr15-41102927-C-T.
Other names: c.798C>T, p.Ile266= (NM_001258420.2); c.273C>T, p.Ile91= (NM_001258421.2); c.768C>T, p.Ile256= (NM_032850.5).
Identifiers: ClinVar variation 3771589 (VCV003771589.13).